The following is an entry in ClinVar:

NM_152490.5(B3GALNT2):c.694G>A (p.Gly232Ser)

Gene: B3GALNT2 (beta-1,3-N-acetylgalactosaminyltransferase 2; minus strand). Cytogenetic location: 1q42.3.
Variant type: single nucleotide variant.
Coding change: c.694G>A on transcript NM_152490.5 (MANE Select); coding-DNA position 694, G replaced by A.
Protein change: p.Gly232Ser; replaces glycine 232 with serine.
Molecular consequence: missense variant.
Genome position (GRCh38, 1-based): chr1:235,470,918, C>T on the plus strand (G>A on the coding strand, the complement: B3GALNT2 is on the minus strand). VCF-style: chr1-235470918-C-T. GRCh37 (hg19) VCF-style: chr1-235634232-C-T.
Other names: c.694G>A (NM_152490.3, NM_152490.2); c.817G>A, p.Gly273Ser (NM_001277155.3); short protein forms G273S, G232S.
Identifiers: ClinVar variation 1369475 (VCV001369475.13), dbSNP rs775573521, ClinGen allele CA1464825.

ClinVar aggregate classification (germline): Uncertain significance. Review status: criteria provided, multiple submitters, no conflicts (2 of 4 stars). 3 submissions from 3 submitters: Uncertain significance (3). Last evaluated 2024-03-05.

Conditions:
Inborn genetic diseases. Identifiers: MedGen C0950123, MeSH D030342.
Muscular dystrophy-dystroglycanopathy (congenital with brain and eye anomalies), type a, 11 (MDDGA11). Also called: WALKER-WARBURG SYNDROME OR MUSCLE-EYE-BRAIN DISEASE, B3GALNT2-RELATED; Muscular dystrophy-dystroglycanopathy (congenital with brain and eye anomalies, type A, 11; Congenital muscular dystrophy-dystroglycanopathy with brain and eye anomalies, type A11. Identifiers: Orphanet 588, Orphanet 899, MedGen C3554638, MONDO:0014071, OMIM 615181.

Allele frequency attached by ClinVar (database versions not stated): gnomAD exomes 0.00001; ExAC 0.00002; TOPMed 0.00002.
gnomAD v4.1: 31 of 1,614,038 alleles (0.0019%); highest among the groups gnomAD compares: Non-Finnish European, 0.0025%; no homozygotes.

Submissions (3):

Ambry Genetics
Classification: Uncertain significance for Inborn genetic diseases. Last evaluated: 2024-03-05. Review status: criteria provided, single submitter. Criteria: Ambry Variant Classification Scheme 2023. Collection method: clinical testing. Allele origin: germline.

Labcorp Genetics (formerly Invitae), Labcorp
Classification: Uncertain significance for Muscular dystrophy-dystroglycanopathy (congenital with brain and eye anomalies), type a, 11. Last evaluated: 2022-09-27. Review status: criteria provided, single submitter. Criteria: Invitae Variant Classification Sherloc (09022015). Collection method: clinical testing. Allele origin: germline.
Comment: In summary, the available evidence is currently insufficient to determine the role of this variant in disease. Therefore, it has been classified as a Variant of Uncertain Significance. Advanced modeling of protein sequence and biophysical properties (such as structural, functional, and spatial information, amino acid conservation, physicochemical variation, residue mobility, and thermodynamic stability) performed at Invitae indicates that this missense variant is not expected to disrupt B3GALNT2 protein function. ClinVar contains an entry for this variant (Variation ID: 1369475). This variant has not been reported in the literature in individuals affected with B3GALNT2-related conditions. This variant is present in population databases (rs775573521, gnomAD 0.003%). This sequence change replaces glycine, which is neutral and non-polar, with serine, which is neutral and polar, at codon 232 of the B3GALNT2 protein (p.Gly232Ser).

Revvity Omics, Revvity
Classification: Uncertain significance for Muscular dystrophy-dystroglycanopathy (congenital with brain and eye anomalies), type a, 11. Last evaluated: 2019-06-19. Review status: criteria provided, single submitter. Criteria: ACMG Guidelines, 2015. Collection method: clinical testing. Allele origin: germline.